The following is an entry in ClinVar:

ClinVar aggregate classification (germline): Conflicting classifications of pathogenicity. Review status: criteria provided, conflicting classifications (1 of 4 stars). 8 submissions from 8 submitters: Uncertain significance (3); Likely benign (4). 1 of the submissions does not count toward it. Last evaluated 2025-11-20.

Conditions:
Hereditary cancer-predisposing syndrome. Also called: Tumor predisposition; Hereditary Cancer Syndrome; Hereditary neoplastic syndrome; Neoplastic Syndromes, Hereditary. Identifiers: Orphanet 140162, MedGen C0027672, MeSH D009386, MONDO:0015356.
Lynch syndrome. Identifiers: Orphanet 144, MedGen C4552100, MONDO:0005835. Disease mechanism: loss of function.
MSH6-related disorder. Also called: MSH6-related condition; MSH6-Related disorders.
Lynch syndrome 5 (LYNCH5). Also called: Hereditary non-polyposis colorectal cancer, type 5; Colorectal cancer, hereditary nonpolyposis, type 5. Identifiers: Orphanet 144, MedGen C1833477, MONDO:0013710, OMIM 614350. Disease mechanism: loss of function.
Hereditary nonpolyposis colorectal neoplasms. Identifiers: MedGen C0009405, MeSH D003123.

Allele frequency attached by ClinVar (database versions not stated): ExAC 0.00001; gnomAD 0.00001; gnomAD exomes 0.00001; TOPMed 0.00001.
gnomAD v4.1: 13 of 1,614,052 alleles (0.00081%); highest among the groups gnomAD compares: East Asian, 0.0022%; no homozygotes.

Submissions (8):

University of Washington Department of Laboratory Medicine, University of Washington
Classification: Likely benign for Lynch syndrome 5. Last evaluated: 2025-11-20. Review status: criteria provided, single submitter. Criteria: Shirts BH et al. (Am J Hum Genet 2018). Collection method: clinical testing. Allele origin: germline. Affected: yes.
Comment: We classify the MSH6 c.1211A>G (p.Asn404Ser) variant as likely benign based on internal evidence. Tumor testing demonstrated loss of MLH1 and PMS2 protein expression by immunohistochemistry (IHC), consistent with deficient mismatch repair (dMMR) driven by MLH1. Somatic testing revealed a pathogenic MLH1 variant with loss of the wild-type MLH1 allele (loss of heterozygosity, LOH), consistent with MLH1 as the likely driver of tumorigenesis. No second hit in MSH6 was identified, suggesting that the MSH6 variant is not contributing to the tumor phenotype. The use of tumor molecular features and somatic evidence to inform germline variant classification has been described in the literature (Shirts et al., 2018. Genet Med. PMID: 29887214). Multiple in silico prediction tools (SIFT, PolyPhen-2, Align-GVGD) do not consistently predict a deleterious effect on protein function, and the asparagine-to-serine substitution is a conservative change with similar polarity and size, providing supporting evidence against a functional impact. This variant is present at low frequency in population databases without clear enrichment in affected individuals, consistent with PM2_supporting for benignity. The clinical phenotype of colon cancer with MLH1/PMS2 IHC loss, typical for MLH1-driven Lynch syndrome, is not consistent with an MSH6-driven phenotype, supporting BP5 (variant found in a case with an alternative molecular basis for disease). Furthermore, the variant has been reported in individuals with mild personal and family cancer histories, typical of individuals without pathogenic MSH6 variants (PMID: 27363726), supporting BP2/BP5. Taken together, the absence of tumor-based evidence for MSH6 involvement, the conservative amino acid change, population frequency, and phenotype discordance support a classification of likely benign for the MSH6 c.1211A>G (p.Asn404Ser) variant.

Labcorp Genetics (formerly Invitae), Labcorp
Classification: Likely benign for Hereditary nonpolyposis colorectal neoplasms. Last evaluated: 2025-10-19. Review status: criteria provided, single submitter. Criteria: Invitae Variant Classification Sherloc (09022015). Collection method: clinical testing. Allele origin: germline.

Myriad Genetics, Inc.
Classification: Likely benign for Lynch syndrome 5. Last evaluated: 2024-12-23. Review status: criteria provided, single submitter. Criteria: Myriad Autosomal Dominant, Autosomal Recessive and X-Linked Classification Criteria (2023). Collection method: clinical testing. Allele origin: unknown.
Comment: This variant is considered likely benign. This variant is strongly associated with less severe personal and family histories of cancer, typical for individuals without pathogenic variants in this gene [PMID: 27363726].

All of Us Research Program, National Institutes of Health
Classification: Uncertain significance for Lynch syndrome. Last evaluated: 2023-12-18. Review status: criteria provided, single submitter. Criteria: ACMG Guidelines, 2015. Collection method: clinical testing. Allele origin: germline. Inheritance: Autosomal dominant inheritance. Observed: 1 variant allele, 1 heterozygote.
Comment: This missense variant replaces asparagine with serine at codon 404 of the MSH6 protein. Computational prediction suggests that this variant may not impact protein structure and function (internally defined REVEL score threshold <= 0.5, PMID: 27666373). Splice site prediction tools suggest that this variant may not impact RNA splicing. To our knowledge, functional studies have not been performed for this variant. This variant has been reported in an individual affected with colorectal cancer (PMID: 27978560). This variant has been identified in 4/282702 chromosomes in the general population by the Genome Aggregation Database (gnomAD). The available evidence is insufficient to determine the role of this variant in disease conclusively. Therefore, this variant is classified as a Variant of Uncertain Significance.

This study involves interpretation of variants in research participants for the purpose of population health screening. Participant phenotype was not available at the time of variant classification. Additional details can be found in publication PMID: 35346344, PMCID: PMC8962531

GeneDx
Classification: Uncertain significance. Last evaluated: 2023-11-26. Review status: criteria provided, single submitter. Criteria: GeneDx Variant Classification Process June 2021. Collection method: clinical testing. Allele origin: germline. Affected: yes.
Comment: Not observed at significant frequency in large population cohorts (gnomAD); In silico analysis supports that this missense variant does not alter protein structure/function; Observed in an individual with a MMR-proficient colorectal cancer (PMID: 27978560); This variant is associated with the following publications: (PMID: 27978560, 17531815, 21120944)

Color Diagnostics, LLC DBA Color Health
Classification: Uncertain significance for Hereditary cancer-predisposing syndrome. Last evaluated: 2023-11-22. Review status: criteria provided, single submitter. Criteria: ACMG Guidelines, 2015. Collection method: clinical testing. Allele origin: germline.
Comment: This missense variant replaces asparagine with serine at codon 404 of the MSH6 protein. Computational prediction suggests that this variant may not impact protein structure and function (internally defined REVEL score threshold <= 0.5, PMID: 27666373). To our knowledge, functional studies have not been reported for this variant. This variant has been reported in an individual affected with early onset colorectal cancer (PMID: 27978560). This variant has been identified in 4/282702 chromosomes in the general population by the Genome Aggregation Database (gnomAD). The available evidence is insufficient to determine the role of this variant in disease conclusively. Therefore, this variant is classified as a Variant of Uncertain Significance.

Ambry Genetics
Classification: Likely benign for Hereditary cancer-predisposing syndrome. Last evaluated: 2022-08-26. Review status: criteria provided, single submitter. Criteria: Ambry Variant Classification Scheme 2023. Collection method: clinical testing. Allele origin: germline.

PreventionGenetics, part of Exact Sciences
Classification: Uncertain significance for MSH6-related condition. Last evaluated: 2024-04-23. Review status: no assertion criteria provided. Collection method: clinical testing. Allele origin: germline. Not counted in ClinVar's aggregate classification.
Comment: The MSH6 c.1211A>G variant is predicted to result in the amino acid substitution p.Asn404Ser. This variant has been reported in an individual with colon cancer (eTable 2. Pearlman et al 2017. PubMed ID: 27978560). This variant is reported in 0.0050% of alleles in individuals of East Asian descent in gnomAD. This variant is interpreted as a variant of uncertain significance or likely benign. At this time, the clinical significance of this variant is uncertain due to the absence of conclusive functional and genetic evidence.

Literature cited by the submitters: PubMed 27363726 (cited by University of Washington Department of Laboratory Medicine, University of Washington and Myriad Genetics, Inc.); PubMed 27978560 (cited by 3 submitters).

NM_000179.3(MSH6):c.1211A>G (p.Asn404Ser)

Gene: MSH6 (mutS homolog 6; plus strand). Cytogenetic location: 2p16.3.
Variant type: single nucleotide variant.
Coding change: c.1211A>G on transcript NM_000179.3 (MANE Select); coding-DNA position 1211, A replaced by G.
Protein change: p.Asn404Ser; replaces asparagine 404 with serine.
Molecular consequence: missense variant.
Genome position (GRCh38, 1-based): chr2:47,799,194, A>G. VCF-style: chr2-47799194-A-G. GRCh37 (hg19) VCF-style: chr2-48026333-A-G.
Other names: c.821A>G, p.Asn274Ser (NM_001281492.2); c.305A>G, p.Asn102Ser (NM_001281493.2, NM_001281494.2); short protein forms N404S, N102S, N274S.
Identifiers: ClinVar variation 410392 (VCV000410392.29), dbSNP rs768740986, ClinGen allele CA067350.